The following is an entry in ClinVar:

NM_003000.3(SDHB):c.606C>A (p.Asn202Lys)

Gene: SDHB (succinate dehydrogenase complex iron sulfur subunit B; minus strand). Cytogenetic location: 1p36.13.
Variant type: single nucleotide variant.
Coding change: c.606C>A on transcript NM_003000.3 (MANE Select); coding-DNA position 606, C replaced by A.
Protein change: p.Asn202Lys; replaces asparagine 202 with lysine.
Molecular consequence: missense variant.
Genome position (GRCh38, 1-based): chr1:17,024,009, G>T on the plus strand (C>A on the coding strand, the complement: SDHB is on the minus strand). VCF-style: chr1-17024009-G-T. GRCh37 (hg19) VCF-style: chr1-17350504-G-T.
Other names: c.552C>A, p.Asn184Lys (NM_001407361.1); short protein forms N184K, N202K.
Identifiers: ClinVar variation 3316896 (VCV003316896.1).
Genomic context (GRCh38, chr1:17,024,009, plus strand): 5'-TAAAGCAATTAAGGAGCACCTCACCTGCATAAGAACTGCAGGCCCCAGATATTTGTCTCC[G>T]TTCCACCAGTAGCTGGGGCAGCTGGTGCTACAGCAGGCACAGAGAATGCACTCGTAGAGC-3'
Protein context (NP_002991.2, residues 192-212): CSTSCPSYWW[Asn202Lys]GDKYLGPAVL

ClinVar aggregate classification (germline): Uncertain significance (1 of 4 stars; one submission).

Conditions:
Hereditary cancer-predisposing syndrome. Also called: Neoplastic Syndromes, Hereditary; Tumor predisposition; Hereditary neoplastic syndrome; Hereditary Cancer Syndrome. Identifiers: Orphanet 140162, MedGen C0027672, MeSH D009386, MONDO:0015356.

Submission:

Ambry Genetics
Classification: Uncertain significance for Hereditary cancer-predisposing syndrome. Last evaluated: 2024-05-10. Review status: criteria provided, single submitter. Criteria: Ambry Variant Classification Scheme 2023. Collection method: clinical testing. Allele origin: germline.
Comment: The p.N202K variant (also known as c.606C>A), located in coding exon 6 of the SDHB gene, results from a C to A substitution at nucleotide position 606. The asparagine at codon 202 is replaced by lysine, an amino acid with similar properties. This amino acid position is conserved. In addition, the in silico prediction for this alteration is inconclusive. Based on the available evidence, the clinical significance of this variant remains unclear.